The following is an entry in ClinVar:

NM_199420.4(POLQ):c.2242A>G (p.Ile748Val)

Gene: POLQ (DNA polymerase theta; minus strand). Cytogenetic location: 3q13.33.
Variant type: single nucleotide variant.
Coding change: c.2242A>G on transcript NM_199420.4 (MANE Select); coding-DNA position 2242, A replaced by G.
Protein change: p.Ile748Val; replaces isoleucine 748 with valine.
Molecular consequence: missense variant.
Genome position (GRCh38, 1-based): chr3:121,496,844, T>C on the plus strand (A>G on the coding strand, the complement: POLQ is on the minus strand). VCF-style: chr3-121496844-T-C. GRCh37 (hg19) VCF-style: chr3-121215691-T-C.
Other names: short protein forms I748V.
Identifiers: ClinVar variation 1788293 (VCV001788293.2), dbSNP rs755049290, ClinGen allele CA2563320.
Genomic context (GRCh38, chr3:121,496,844, plus strand): 5'-TGTGAAACCCTTTGTTTAACTGACCTGCATAAACAGCAGCTGACTGTTGCAAAGATTGAA[T>C]CTGCCCACGATTGCATCCATATTTCTGATTTATTTCCCTTAAGGGAACTTCACTGATTAA-3'
Protein context (NP_955452.3, residues 738-758): NQKYGCNRGQ[Ile748Val]QSLQQSAAVY

ClinVar aggregate classification (germline): Uncertain significance (1 of 4 stars; one submission).

Allele frequency attached by ClinVar (database versions not stated): ExAC 0.00001.
gnomAD v4.1: 1 of 1,613,778 alleles (0.000062%); highest among the groups gnomAD compares: East Asian, 0.0022%; no homozygotes.

Submission:

Ambry Genetics
Classification: Uncertain significance. Last evaluated: 2022-03-07. Review status: criteria provided, single submitter. Criteria: Ambry Variant Classification Scheme 2023. Collection method: clinical testing. Allele origin: germline.
Comment: The p.I748V variant (also known as c.2242A>G), located in coding exon 14 of the POLQ gene, results from an A to G substitution at nucleotide position 2242. The isoleucine at codon 748 is replaced by valine, an amino acid with highly similar properties. This amino acid position is conserved. In addition, this alteration is predicted to be tolerated by in silico analysis. Since supporting evidence is limited at this time, the clinical significance of this alteration remains unclear.